The following is an entry in ClinVar:

ClinVar aggregate classification (germline): Uncertain significance (1 of 4 stars; one submission).

Allele frequency attached by ClinVar (database versions not stated): gnomAD exomes below 0.00001.

Submission:

Labcorp Genetics (formerly Invitae), Labcorp
Classification: Uncertain significance. Last evaluated: 2022-01-21. Review status: criteria provided, single submitter. Criteria: Invitae Variant Classification Sherloc (09022015). Collection method: clinical testing. Allele origin: germline.
Comment: In summary, the available evidence is currently insufficient to determine the role of this variant in disease. Therefore, it has been classified as a Variant of Uncertain Significance. Algorithms developed to predict the effect of missense changes on protein structure and function are either unavailable or do not agree on the potential impact of this missense change (SIFT: "Tolerated"; PolyPhen-2: "Probably Damaging"; Align-GVGD: "Class C0"). This variant has not been reported in the literature in individuals affected with MCM3AP-related conditions. This variant is present in population databases (no rsID available, gnomAD 0.0009%). This sequence change replaces valine, which is neutral and non-polar, with leucine, which is neutral and non-polar, at codon 327 of the MCM3AP protein (p.Val327Leu).

NM_003906.5(MCM3AP):c.979G>C (p.Val327Leu)

Gene: MCM3AP (minichromosome maintenance complex component 3 associated protein; minus strand). Cytogenetic location: 21q22.3.
Variant type: single nucleotide variant.
Coding change: c.979G>C on transcript NM_003906.5 (MANE Select); coding-DNA position 979, G replaced by C.
Protein change: p.Val327Leu; replaces valine 327 with leucine.
Molecular consequence: missense variant.
Genome position (GRCh38, 1-based): chr21:46,284,308, C>G on the plus strand (G>C on the coding strand, the complement: MCM3AP is on the minus strand). VCF-style: chr21-46284308-C-G. GRCh37 (hg19) VCF-style: chr21-47704222-C-G.
Other names: short protein forms V327L.
Identifiers: ClinVar variation 1968901 (VCV001968901.5), dbSNP rs1178037519, ClinGen allele CA410533898.